The following is an entry in ClinVar:

GRCh37/hg19 3p25.3(chr3:10128635-10222177)x1

Genes: BRK1 (BRICK1 subunit of SCAR/WAVE actin nucleating complex; plus strand), FANCD2 (FA complementation group D2; plus strand), FANCD2OS (FANCD2 opposite strand; minus strand), IRAK2 (interleukin 1 receptor associated kinase 2; plus strand), VHL (von Hippel-Lindau tumor suppressor; plus strand). Cytogenetic location: 3p25.3.
Variant type: copy number loss.
Change: copy number 1 (one copy instead of two) of chr3:10,128,635-10,222,177 (93.5 kb, GRCh37 coordinates, 1-based), cytogenetic band 3p25.3.
Identifiers: ClinVar variation 4682579 (VCV004682579.1).

ClinVar aggregate classification (germline): Pathogenic (1 of 4 stars; one submission).

Submission:

Quest Diagnostics Nichols Institute San Juan Capistrano
Classification: Pathogenic. Last evaluated: 2025-05-09. Review status: criteria provided, single submitter. Criteria: ACMG/ClinGen CNV Guidelines, 2019. Collection method: clinical testing. Allele origin: unknown.
Comment: This deletion involves at least five protein-coding genes, including VHL (OMIM 608537). Haploinsufficiency of VHL is associated with von Hippel-Lindau syndrome (VHLS; CCID:008094; OMIM 193300). Heterozygous deletions similar to the current interval have been reported in individuals with VHLS (Dallagnol 2023, Franke 2009, Vocke 2021). Thus, based on current medical literature and gene content, this copy number variant (CNV) is classified as pathogenic. References: Dallagnol et al., Mol Genet Genomic Med. 2023 Apr;11(4):e2136. PMID: 36625343 Franke et al., Hum Mutat. 2009 May;30(5):776-86. PMID: 19280651 van Leeuwaarde et al., GeneReviews [2025 May 1]. PMID: 20301636 Vocke et al., Hum Mutat. 2021 May;42(5):520-529. PMID: 33675279